The following is an entry in ClinVar:

NM_020975.6(RET):c.2396C>A (p.Pro799Gln)

Gene: RET (ret proto-oncogene; plus strand). Cytogenetic location: 10q11.21.
Variant type: single nucleotide variant.
Coding change: c.2396C>A on transcript NM_020975.6 (MANE Select); coding-DNA position 2396, C replaced by A.
Protein change: p.Pro799Gln; replaces proline 799 with glutamine.
Molecular consequence: missense variant.
Genome position (GRCh38, 1-based): chr10:43,119,534, C>A. VCF-style: chr10-43119534-C-A. GRCh37 (hg19) VCF-style: chr10-43614982-C-A.
Other names: c.2396C>A, p.Pro799Gln (NM_000323.2, NM_001406743.1, NM_001406744.1 and 4 more transcripts); c.1634C>A, p.Pro545Gln (NM_001355216.2); c.2267C>A, p.Pro756Gln (NM_001406761.1, NM_001406762.1, NM_001406764.1); c.2261C>A, p.Pro754Gln (NM_001406763.1, NM_001406765.1); c.2108C>A, p.Pro703Gln (NM_001406766.1, NM_001406767.1, NM_001406770.1); c.1670C>A, p.Pro557Gln (NM_001406778.1, NM_001406775.1, NM_001406776.1 and 1 more transcripts); c.1499C>A, p.Pro500Gln (NM_001406779.1, NM_001406780.1, NM_001406781.1 and 1 more transcripts); c.1370C>A, p.Pro457Gln (NM_001406783.1, NM_001406786.1); and 10 more; short protein forms P364Q, P404Q, P460Q, P500Q, P455Q, P557Q, P469Q, P545Q.
Identifiers: ClinVar variation 2096287 (VCV002096287.4), dbSNP rs2132942152, ClinGen allele CA376555993.

ClinVar aggregate classification (germline): Uncertain significance (1 of 4 stars; one submission).

Conditions:
Multiple endocrine neoplasia, type 2 (MEN2). Identifiers: Orphanet 653, MedGen C4048306, MONDO:0019003. Disease mechanism: gain of function.

Submission:

Labcorp Genetics (formerly Invitae), Labcorp
Classification: Uncertain significance for Multiple endocrine neoplasia, type 2. Last evaluated: 2024-01-30. Review status: criteria provided, single submitter. Criteria: Invitae Variant Classification Sherloc (09022015). Collection method: clinical testing. Allele origin: germline.
Comment: This sequence change replaces proline, which is neutral and non-polar, with glutamine, which is neutral and polar, at codon 799 of the RET protein (p.Pro799Gln). This variant is not present in population databases (gnomAD no frequency). This variant has not been reported in the literature in individuals affected with RET-related conditions. ClinVar contains an entry for this variant (Variation ID: 2096287). An algorithm developed to predict the effect of missense changes on protein structure and function (PolyPhen-2) suggests that this variant is likely to be disruptive. In summary, the available evidence is currently insufficient to determine the role of this variant in disease. Therefore, it has been classified as a Variant of Uncertain Significance.